The following is an entry in ClinVar:

NM_015272.5(RPGRIP1L):c.1925T>C (p.Leu642Pro)

Gene: RPGRIP1L (RPGRIP1 like; minus strand). Cytogenetic location: 16q12.2.
Variant type: single nucleotide variant.
Coding change: c.1925T>C on transcript NM_015272.5 (MANE Select); coding-DNA position 1925, T replaced by C.
Protein change: p.Leu642Pro; replaces leucine 642 with proline.
Molecular consequence: missense variant.
Genome position (GRCh38, 1-based): chr16:53,652,762, A>G on the plus strand (T>C on the coding strand, the complement: RPGRIP1L is on the minus strand). VCF-style: chr16-53652762-A-G. GRCh37 (hg19) VCF-style: chr16-53686674-A-G.
Other names: c.1925T>C, p.Leu642Pro (NM_001127897.4, NM_001308334.3, NM_001330538.2); short protein forms L642P.
Identifiers: ClinVar variation 2076419 (VCV002076419.4), dbSNP rs1396819326, ClinGen allele CA395917019.

ClinVar aggregate classification (germline): Uncertain significance (1 of 4 stars; one submission).

Conditions:
Joubert syndrome. Also called: CEREBELLOPARENCHYMAL DISORDER IV; JOUBERT-BOLTSHAUSER SYNDROME; Familial aplasia of the vermis. Identifiers: Orphanet 475, MedGen C5979921, MONDO:0018772.
Meckel-Gruber syndrome. Also called: DYSENCEPHALIA SPLANCHNOCYSTICA; GRUBER SYNDROME; Dysencephalia splachnocystica. Identifiers: Orphanet 564, MedGen C0265215, MONDO:0018921.

Allele frequency attached by ClinVar (database versions not stated): gnomAD exomes below 0.00001.
gnomAD v4.1: 1 of 1,614,156 alleles (0.000062%); highest among the groups gnomAD compares: East Asian, 0.0022%; no homozygotes.

Submission:

Labcorp Genetics (formerly Invitae), Labcorp
Classification: Uncertain significance for Joubert syndrome; Meckel-Gruber syndrome. Last evaluated: 2022-06-23. Review status: criteria provided, single submitter. Criteria: Invitae Variant Classification Sherloc (09022015). Collection method: clinical testing. Allele origin: germline.
Comment: In summary, the available evidence is currently insufficient to determine the role of this variant in disease. Therefore, it has been classified as a Variant of Uncertain Significance. Algorithms developed to predict the effect of missense changes on protein structure and function (SIFT, PolyPhen-2, Align-GVGD) all suggest that this variant is likely to be disruptive. This variant has not been reported in the literature in individuals affected with RPGRIP1L-related conditions. This variant is present in population databases (no rsID available, gnomAD 0.006%). This sequence change replaces leucine, which is neutral and non-polar, with proline, which is neutral and non-polar, at codon 642 of the RPGRIP1L protein (p.Leu642Pro).